The following is an entry in ClinVar:

NM_001370259.2(MEN1):c.578C>G (p.Thr193Arg)

Gene: MEN1 (menin 1; minus strand). Cytogenetic location: 11q13.1.
Variant type: single nucleotide variant.
Coding change: c.578C>G on transcript NM_001370259.2 (MANE Select); coding-DNA position 578, C replaced by G.
Protein change: p.Thr193Arg; replaces threonine 193 with arginine.
Molecular consequence: missense variant. On other transcripts: intron variant (2).
Genome position (GRCh38, 1-based): chr11:64,807,967, G>C on the plus strand (C>G on the coding strand, the complement: MEN1 is on the minus strand). VCF-style: chr11-64807967-G-C. GRCh37 (hg19) VCF-style: chr11-64575439-G-C.
Other names: c.593C>G, p.Thr198Arg (NM_000244.4, NM_130800.3, NM_130801.3 and 3 more transcripts); c.578C>G, p.Thr193Arg (NM_001370251.2, NM_001370260.2, NM_001370261.2 and 1 more transcripts); c.549+29C>G (NM_001370263.2, NM_001370262.2); short protein forms T193R, T198R.
Identifiers: ClinVar variation 648280 (VCV000648280.6), dbSNP rs1592650971, ClinGen allele CA381185630.
Genomic context (GRCh38, chr11:64,807,967, plus strand): 5'-GCATTGACTGTCTGGCCCCTGCGGTCCTCGTTGCCCTTGCCGTGCCAGGTGACCTCAGCT[G>C]TCTGCTCCCCATTGGGCCCAAACACTACCCAGGCATGATCCTCAGACAGGGCGAGGTGGA-3'
Protein context (NP_001357188.2, residues 183-203): WVVFGPNGEQ[Thr193Arg]AEVTWHGKGN

ClinVar aggregate classification (germline): Uncertain significance (1 of 4 stars; one submission).

Conditions:
Multiple endocrine neoplasia, type 1 (MEN1). Also called: Endocrine adenomatosis multiple; MEN 1; MEA I; MEN I; WERMER SYNDROME. Identifiers: Orphanet 652, MedGen C0025267, MeSH D018761, MONDO:0007540, OMIM 131100.

Submission:

Labcorp Genetics (formerly Invitae), Labcorp
Classification: Uncertain significance for Multiple endocrine neoplasia, type 1. Last evaluated: 2022-04-25. Review status: criteria provided, single submitter. Criteria: Invitae Variant Classification Sherloc (09022015). Collection method: clinical testing. Allele origin: germline.
Comment: In summary, the available evidence is currently insufficient to determine the role of this variant in disease. Therefore, it has been classified as a Variant of Uncertain Significance. This variant has not been reported in the literature in individuals affected with MEN1-related conditions. ClinVar contains an entry for this variant (Variation ID: 648280). Advanced modeling of protein sequence and biophysical properties (such as structural, functional, and spatial information, amino acid conservation, physicochemical variation, residue mobility, and thermodynamic stability) performed at Invitae indicates that this missense variant is expected to disrupt MEN1 protein function. This variant is not present in population databases (gnomAD no frequency). This sequence change replaces threonine, which is neutral and polar, with arginine, which is basic and polar, at codon 193 of the MEN1 protein (p.Thr193Arg).